The following is an entry in ClinVar:

ClinVar aggregate classification (germline): Uncertain significance. Review status: criteria provided, multiple submitters, no conflicts (2 of 4 stars). 2 submissions from 2 submitters: Uncertain significance (2). Last evaluated 2023-01-28.

Allele frequency attached by ClinVar (database versions not stated): gnomAD 0.00001.
gnomAD v4.1: 1 of 1,613,210 alleles (0.000062%); highest among the groups gnomAD compares: Admixed American, 0.0017%; no homozygotes.

Submissions (2):

Labcorp Genetics (formerly Invitae), Labcorp
Classification: Uncertain significance. Last evaluated: 2023-01-28. Review status: criteria provided, single submitter. Criteria: Invitae Variant Classification Sherloc (09022015). Collection method: clinical testing. Allele origin: germline.
Comment: In summary, the available evidence is currently insufficient to determine the role of this variant in disease. Therefore, it has been classified as a Variant of Uncertain Significance. Advanced modeling of protein sequence and biophysical properties (such as structural, functional, and spatial information, amino acid conservation, physicochemical variation, residue mobility, and thermodynamic stability) performed at Invitae indicates that this missense variant is not expected to disrupt RAI1 protein function. This variant has not been reported in the literature in individuals affected with RAI1-related conditions. This variant is not present in population databases (gnomAD no frequency). This sequence change replaces serine, which is neutral and polar, with phenylalanine, which is neutral and non-polar, at codon 916 of the RAI1 protein (p.Ser916Phe).

GeneDx
Classification: Uncertain significance. Last evaluated: 2022-10-09. Review status: criteria provided, single submitter. Criteria: GeneDx Variant Classification Process June 2021. Collection method: clinical testing. Allele origin: germline. Affected: yes.
Comment: Not observed at significant frequency in large population cohorts (gnomAD); In silico analysis supports that this missense variant has a deleterious effect on protein structure/function; Has not been previously published as pathogenic or benign to our knowledge

NM_030665.4(RAI1):c.2747C>T (p.Ser916Phe)

Gene: RAI1 (retinoic acid induced 1; plus strand). Cytogenetic location: 17p11.2.
Variant type: single nucleotide variant.
Coding change: c.2747C>T on transcript NM_030665.4 (MANE Select); coding-DNA position 2747, C replaced by T.
Protein change: p.Ser916Phe; replaces serine 916 with phenylalanine.
Molecular consequence: missense variant.
Genome position (GRCh38, 1-based): chr17:17,795,695, C>T. VCF-style: chr17-17795695-C-T. GRCh37 (hg19) VCF-style: chr17-17699009-C-T.
Other names: short protein forms S916F.
Identifiers: ClinVar variation 2497913 (VCV002497913.4), dbSNP rs2032211556, ClinGen allele CA398551912.